The following is an entry in ClinVar:

NM_020911.2(PLXNA4):c.112C>T (p.Arg38Trp)

Gene: PLXNA4 (plexin A4; minus strand). Cytogenetic location: 7q32.3.
Variant type: single nucleotide variant.
Coding change: c.112C>T on transcript NM_020911.2 (MANE Select); coding-DNA position 112, C replaced by T.
Protein change: p.Arg38Trp; replaces arginine 38 with tryptophan.
Molecular consequence: missense variant.
Genome position (GRCh38, 1-based): chr7:132,508,582, G>A on the plus strand (C>T on the coding strand, the complement: PLXNA4 is on the minus strand). VCF-style: chr7-132508582-G-A. GRCh37 (hg19) VCF-style: chr7-132193341-G-A.
Other names: c.112C>T, p.Arg38Trp (NM_001105543.2, NM_001393897.1, NM_181775.4); short protein forms R38W.
Identifiers: ClinVar variation 3061637 (VCV003061637.3), dbSNP rs767016079, ClinGen allele CA4490554.

ClinVar aggregate classification (germline): Uncertain significance (1 of 4 stars; one submission).

Conditions:
PLXNA4-related disorder. Also called: PLXNA4-related condition.

Submission:

PreventionGenetics, part of Exact Sciences
Classification: Uncertain significance for PLXNA4-related condition. Last evaluated: 2026-03-04. Review status: criteria provided, single submitter. Criteria: ACMG Guidelines, 2015. Collection method: clinical testing. Allele origin: germline.
Comment: The PLXNA4 c.112C>T variant is predicted to result in the amino acid substitution p.Arg38Trp. To our knowledge, this variant has not been reported in the literature. This variant is reported in 0.035% of alleles in individuals of East Asian descent in gnomAD. At this time, the clinical significance of this variant is uncertain due to the absence of conclusive functional and genetic evidence.